The following is an entry in ClinVar:

NM_000326.5(RLBP1):c.*296G>A

Gene: RLBP1 (retinaldehyde binding protein 1; minus strand). Cytogenetic location: 15q26.1.
Variant type: single nucleotide variant.
Coding change: c.*296G>A on transcript NM_000326.5 (MANE Select); 296 bases downstream of the stop codon, G replaced by A.
Molecular consequence: 3 prime UTR variant.
Genome position (GRCh38, 1-based): chr15:89,209,989, C>T on the plus strand (G>A on the coding strand, the complement: RLBP1 is on the minus strand). VCF-style: chr15-89209989-C-T. GRCh37 (hg19) VCF-style: chr15-89753220-C-T.
Identifiers: ClinVar variation 317228 (VCV000317228.7), dbSNP rs2710, ClinGen allele CA10647442.
Genomic context (GRCh38, chr15:89,209,989, plus strand): 5'-CGGGCTCCTTGCCTGTTTTCACAGACTCTAAGTCGTAAAACTCTGTTACAAAGGAAATGA[C>T]TGAGAAAATGAATTCGAGTCTTTGAAATACAACCTTACACAAAAATCACTGTCTTAAAGC-3'

ClinVar aggregate classification (germline): Benign. Review status: criteria provided, multiple submitters, no conflicts (2 of 4 stars). 5 submissions from 3 submitters: Benign (5). Last evaluated 2021-05-14.

Conditions:
Newfoundland cone-rod dystrophy. Identifiers: MedGen C1843815, MONDO:0011839, OMIM 607476.
Retinitis pigmentosa (RP). Identifiers: Orphanet 791, MedGen C0035334, MeSH D012174, MONDO:0019200, OMIM 268000. Inheritance: Autosomal dominant, autosomal recessive and X linked inheritance.
Pigmentary retinal dystrophy. Also called: Fundus albipunctatus. Identifiers: Orphanet 227796, Orphanet 52427, MedGen C0311338, MONDO:0007639, OMIM 136880, HP:0030642.

Allele frequency attached by ClinVar (database versions not stated): 1000 Genomes Project 0.34764; 1000 Genomes Project 30x 0.35056; TOPMed 0.38541; gnomAD 0.39575 and 0.39999.
gnomAD v4.1: 170,502 of 450,466 alleles (38%); highest among the groups gnomAD compares: African/African-American, 46%; 33,582 homozygotes.

Submissions (5):

GeneDx
Classification: Benign. Last evaluated: 2021-05-14. Review status: criteria provided, single submitter. Criteria: GeneDx Variant Classification Process June 2021. Collection method: clinical testing. Allele origin: germline. Affected: yes.

Illumina Laboratory Services, Illumina
Classification: Benign for Newfoundland cone-rod dystrophy. Last evaluated: 2018-01-13. Review status: criteria provided, single submitter. Criteria: ICSL Variant Classification Criteria 13 December 2019. Collection method: clinical testing. Allele origin: germline.
Comment: This variant was observed in the ICSL laboratory as part of a predisposition screen in an ostensibly healthy population. It had not been previously curated by ICSL or reported in the Human Gene Mutation Database (HGMD: prior to June 1st, 2018), and was therefore a candidate for classification through an automated scoring system. Utilizing variant allele frequency, disease prevalence and penetrance estimates, and inheritance mode, an automated score was calculated to assess if this variant is too frequent to cause the disease. Based on the score and internal cut-off values, a variant classified as benign is not then subjected to further curation. The score for this variant resulted in a classification of benign for this disease.

Illumina Laboratory Services, Illumina
Classification: Benign for Retinitis pigmentosa. Last evaluated: 2018-01-13. Review status: criteria provided, single submitter. Criteria: ICSL Variant Classification Criteria 13 December 2019. Collection method: clinical testing. Allele origin: germline.
Comment: the same text as in the submission from Illumina Laboratory Services, Illumina above.

Illumina Laboratory Services, Illumina
Classification: Benign for Pigmentary retinal dystrophy. Last evaluated: 2018-01-13. Review status: criteria provided, single submitter. Criteria: ICSL Variant Classification Criteria 13 December 2019. Collection method: clinical testing. Allele origin: germline.
Comment: the same text as in the submission from Illumina Laboratory Services, Illumina above.

Breakthrough Genomics
Classification: Benign. Review status: criteria provided, single submitter. Criteria: ACMG Guidelines, 2015. Collection method: not provided. Allele origin: germline. Inheritance: Autosomal recessive inheritance. Affected: yes.